The following is an entry in ClinVar:

NM_001164508.2(NEB):c.24212T>A (p.Leu8071Ter)

Genes: NEB (nebulin; minus strand), RIF1 (replication timing regulatory factor 1; plus strand). Cytogenetic location: 2q23.3.
Variant type: single nucleotide variant.
Coding change: c.24212T>A on transcript NM_001164508.2 (MANE Select); coding-DNA position 24212, T replaced by A.
Protein change: p.Leu8071Ter; replaces leucine 8071 with a stop codon.
Molecular consequence: nonsense. On other transcripts: intron variant (1).
Genome position (GRCh38, 1-based): chr2:151,497,714, A>T on the plus strand (T>A on the coding strand, the complement: NEB is on the minus strand). VCF-style: chr2-151497714-A-T. GRCh37 (hg19) VCF-style: chr2-152354228-A-T.
Other names: NM_001164508.2(NEB):c.24212T>A; p.Leu8071Ter; c.24212T>A, p.Leu8071Ter (NM_001164507.2); c.24317T>A, p.Leu8106Ter (NM_001271208.2); c.18826-1346T>A (NM_004543.5); short protein forms L8106*, L8071*.
Identifiers: ClinVar variation 551889 (VCV000551889.12), dbSNP rs756726488, ClinGen allele CA57668896.

ClinVar aggregate classification (germline): Pathogenic. Review status: criteria provided, multiple submitters, no conflicts (2 of 4 stars). 5 submissions from 5 submitters: Pathogenic (4). 1 of the submissions does not count toward it. Last evaluated 2025-09-26.

Conditions:
Arthrogryposis multiplex congenita 6. Identifiers: MedGen C5543431, MONDO:0030281, OMIM 619334.
Nemaline myopathy 2 (NEM2). Also called: Nemaline myopathy 2, autosomal recessive. Identifiers: MedGen C1850569, MONDO:0009725, OMIM 256030.
Nemaline myopathy. Also called: Myopathies, Nemaline. Identifiers: Orphanet 607, MedGen C0206157, MONDO:0018958.

Allele frequency attached by ClinVar (database versions not stated): gnomAD 0.00001; gnomAD exomes 0.00001; TOPMed 0.00002.

Submissions (5):

Natera, Inc.
Classification: Pathogenic for Nemaline myopathy type 2. Last evaluated: 2025-09-26. Review status: criteria provided, single submitter. Criteria: Natera Variant Classification Schema (03/2026). Collection method: clinical testing. Allele origin: germline.
Comment: The c.24317T>A variant in NEB is a nonsense variant predicted to introduce a stop codon at amino acid 8106. This variant is expected to result in nonsense mediated decay, truncation, or a dysfunctional protein product. This variant is rare in the general population with a frequency below the threshold expected for the associated phenotype(s). This variant has been observed in one or more individuals affected with the associated recessive disease, as either homozygous or compound heterozygous with a second variant (PMID: 40661861, 25205138, 38634969). Given the available evidence, this variant is classified as Pathogenic.

Labcorp Genetics (formerly Invitae), Labcorp
Classification: Pathogenic for Nemaline myopathy 2. Last evaluated: 2025-03-28. Review status: criteria provided, single submitter. Criteria: Invitae Variant Classification Sherloc (09022015). Collection method: clinical testing. Allele origin: germline.
Comment: This sequence change creates a premature translational stop signal (p.Leu8106*) in the NEB gene. It is expected to result in an absent or disrupted protein product. Loss-of-function variants in NEB are known to be pathogenic (PMID: 25205138). This variant is not present in population databases (gnomAD no frequency). This premature translational stop signal has been observed in individual(s) with clinical features of nemaline myopathy (PMID: 25205138). ClinVar contains an entry for this variant (Variation ID: 551889). Algorithms developed to predict the effect of sequence changes on RNA splicing suggest that this variant may disrupt the consensus splice site. For these reasons, this variant has been classified as Pathogenic.

Broad Center for Mendelian Genomics, Broad Institute of MIT and Harvard
Classification: Pathogenic for Nemaline myopathy. Last evaluated: 2025-02-26. Review status: criteria provided, single submitter. Criteria: ACMG Guidelines, 2015. Collection method: curation. Allele origin: germline. Inheritance: Autosomal recessive inheritance.
Comment: The p.Leu8071Ter variant in NEB has been reported in two individuals with nemaline myopathy (PMID: 25205138, 35175440), and has been identified in 0.001% (13/1158056) of European (non-Finnish) chromosomes by the Genome Aggregation Database (gnomAD; dbSNP ID: rs756726488). Although this variant has been seen in the general population in a heterozygous state, its frequency is low enough to be consistent with a recessive carrier frequency. This variant has also been reported in ClinVar (Variation ID: 551889) and has been interpreted as pathogenic by Invitae and likely pathogenic by Counsyl. Of the 2 affected individuals ,1 was a homozygote and 1 was a compound heterozygote that carried a reported pathogenic variant with unknown phase, which increases the likelihood that the p.Leu8071Ter variant is pathogenic (Variation ID: 1213189; PMID: 25205138, 35175440). This nonsense variant leads to a premature termination codon at position 8071, which is predicted to lead to a truncated or absent protein. Loss of function of the NEB gene is an established disease mechanism in autosomal recessive nemaline myopathy. In summary, this variant meets criteria to be classified as pathogenic for autosomal recessive nemaline myopathy. ACMG/AMP Criteria applied: PVS1, PM3, PM2_supporting (Richards 2015).

Baylor Genetics
Classification: Pathogenic for Arthrogryposis multiplex congenita 6. Last evaluated: 2024-03-02. Review status: criteria provided, single submitter. Criteria: ACMG Guidelines, 2015. Collection method: clinical testing. Allele origin: unknown.

Counsyl
Classification: Likely pathogenic for Nemaline myopathy 2. Last evaluated: 2017-05-23. Review status: no assertion criteria provided. Collection method: clinical testing. Allele origin: unknown. Not counted in ClinVar's aggregate classification.

Literature cited by the submitters: PubMed 40661861 (cited by Natera, Inc.); PubMed 25205138 (cited by 3 submitters); PubMed 38634969 (cited by Natera, Inc.).